The following is an entry in ClinVar:

ClinVar aggregate classification (germline): Uncertain significance (1 of 4 stars; one submission).

Submission:

Labcorp Genetics (formerly Invitae), Labcorp
Classification: Uncertain significance. Last evaluated: 2024-01-02. Review status: criteria provided, single submitter. Criteria: Invitae Variant Classification Sherloc (09022015). Collection method: clinical testing. Allele origin: germline.
Comment: This sequence change replaces proline, which is neutral and non-polar, with threonine, which is neutral and polar, at codon 146 of the MBTPS1 protein (p.Pro146Thr). This variant is not present in population databases (gnomAD no frequency). This variant has not been reported in the literature in individuals affected with MBTPS1-related conditions. ClinVar contains an entry for this variant (Variation ID: 2125652). An algorithm developed to predict the effect of missense changes on protein structure and function (PolyPhen-2) suggests that this variant is likely to be tolerated. In summary, the available evidence is currently insufficient to determine the role of this variant in disease. Therefore, it has been classified as a Variant of Uncertain Significance.

NM_003791.4(MBTPS1):c.436C>A (p.Pro146Thr)

Gene: MBTPS1 (membrane bound transcription factor peptidase, site 1; minus strand). Cytogenetic location: 16q23.3.
Variant type: single nucleotide variant.
Coding change: c.436C>A on transcript NM_003791.4 (MANE Select); coding-DNA position 436, C replaced by A.
Protein change: p.Pro146Thr; replaces proline 146 with threonine.
Molecular consequence: missense variant.
Genome position (GRCh38, 1-based): chr16:84,095,791, G>T on the plus strand (C>A on the coding strand, the complement: MBTPS1 is on the minus strand). VCF-style: chr16-84095791-G-T. GRCh37 (hg19) VCF-style: chr16-84129396-G-T.
Other names: short protein forms P146T.
Identifiers: ClinVar variation 2125652 (VCV002125652.4), dbSNP rs982899528, ClinGen allele CA285484197.
Genomic context (GRCh38, chr16:84,095,791, plus strand): 5'-TGGCTCTTCGCAGGGGACGTGATGATTGCCACTTCTGGCTCCACCGGGTTTCATTGCAGG[G>T]TACTGTGGGGTCAGCTACAGGCAAGGGAGAGAAAGATCAGAACAGAAGAGCAAAACGAAC-3'
Protein context (NP_003782.1, residues 136-156): LKYAESDPTV[Pro146Thr]CNETRWSQKW